The following is an entry in ClinVar:

NM_001352754.2(ARMC9):c.76G>C (p.Asp26His)

Gene: ARMC9 (armadillo repeat containing 9; plus strand). Cytogenetic location: 2q37.1.
Variant type: single nucleotide variant.
Coding change: c.76G>C on transcript NM_001352754.2 (MANE Select); coding-DNA position 76, G replaced by C.
Protein change: p.Asp26His; replaces aspartic acid 26 with histidine.
Molecular consequence: missense variant. On other transcripts: non-coding transcript variant (1).
Genome position (GRCh38, 1-based): chr2:231,208,151, G>C. VCF-style: chr2-231208151-G-C. GRCh37 (hg19) VCF-style: chr2-232072864-G-C.
Other names: c.76G>C, p.Asp26His (NM_001271466.4, NM_001291656.2, NM_001352755.2 and 5 more transcripts); c.76G>C (NM_025139.5); short protein forms D26H.
Identifiers: ClinVar variation 2241680 (VCV002241680.3), dbSNP rs778975833, ClinGen allele CA2159839.
Genomic context (GRCh38, chr2:231,208,151, plus strand): 5'-GTTTTGCTGTTGAATTGAATTATTTATTTTTTATAGTATTTAGATTTTGCTGAATTTGAA[G>C]ACACCTTGAAAACATTTTCAAAAGAATGCAAAATAAAAGGAAAACCATTGTGTAAAACAG-3'
Protein context (NP_001339683.2, residues 16-36): KEYLDFAEFE[Asp26His]TLKTFSKECK

ClinVar aggregate classification (germline): Uncertain significance. Review status: criteria provided, multiple submitters, no conflicts (2 of 4 stars). 2 submissions from 2 submitters: Uncertain significance (2). Last evaluated 2024-01-04.

Conditions:
Inborn genetic diseases. Identifiers: MedGen C0950123, MeSH D030342.

Allele frequency attached by ClinVar (database versions not stated): TOPMed below 0.00001; ExAC 0.00001; gnomAD 0.00001.
gnomAD v4.1: 1 of 1,553,274 alleles (0.000064%); highest among the groups gnomAD compares: African/African-American, 0.0014%; no homozygotes.

Submissions (2):

GeneDx
Classification: Uncertain significance. Last evaluated: 2024-01-04. Review status: criteria provided, single submitter. Criteria: GeneDx Variant Classification Process June 2021. Collection method: clinical testing. Allele origin: germline. Affected: yes.
Comment: Not observed at significant frequency in large population cohorts (gnomAD); In silico analysis supports that this missense variant has a deleterious effect on protein structure/function; Has not been previously published as pathogenic or benign to our knowledge

Ambry Genetics
Classification: Uncertain significance for Inborn genetic diseases. Last evaluated: 2021-08-27. Review status: criteria provided, single submitter. Criteria: Ambry Variant Classification Scheme 2023. Collection method: clinical testing. Allele origin: germline.